The following is an entry in ClinVar:

ClinVar aggregate classification (germline): Uncertain significance (1 of 4 stars; one submission).

Conditions:
CHARGE syndrome (CHARGE). Also called: Hittner Hirsch Kreh syndrome; CHARGE ASSOCIATION--COLOBOMA, HEART ANOMALY, CHOANAL ATRESIA, RETARDATION, GENITAL AND EAR ANOMALIES; Coloboma, heart anomaly, choanal atresia, retardation, genital and ear anomalies; CHARGE association; Hall-Hittner syndrome. Identifiers: Orphanet 138, MedGen C0265354, MONDO:0008965.

Submission:

Labcorp Genetics (formerly Invitae), Labcorp
Classification: Uncertain significance for CHARGE syndrome. Last evaluated: 2025-04-13. Review status: criteria provided, single submitter. Criteria: Invitae Variant Classification Sherloc (09022015). Collection method: clinical testing. Allele origin: germline.
Comment: This sequence change creates a premature translational stop signal (p.Leu122Cysfs*10) in the SEMA3E gene. It is expected to result in an absent or disrupted protein product. However, the current clinical and genetic evidence is not sufficient to establish whether loss-of-function variants in SEMA3E cause disease. This variant is not present in population databases (gnomAD no frequency). This variant has not been reported in the literature in individuals affected with SEMA3E-related conditions. In summary, the available evidence is currently insufficient to determine the role of this variant in disease. Therefore, it has been classified as a Variant of Uncertain Significance.

NM_012431.3(SEMA3E):c.365del (p.Leu122fs)

Gene: SEMA3E (semaphorin 3E; minus strand). Cytogenetic location: 7q21.11.
Variant type: Deletion.
Coding change: c.365del on transcript NM_012431.3 (MANE Select); coding-DNA position 365, one base deleted (T; older notation c.365delT).
Protein change: p.Leu122fs; shifts the reading frame from leucine 122.
Molecular consequence: frameshift variant.
Genome position (GRCh38, 1-based): chr7:83,466,573, A deleted on the plus strand (T on the coding strand, the reverse complement: SEMA3E is on the minus strand); the first of 4 consecutive A bases (chr7:83,466,573-83,466,576); deleting any one gives the same sequence. VCF-style (leftmost placement, unchanged base first): chr7-83466572-CA-C. GRCh37 (hg19) VCF-style: chr7-83095888-CA-C.
Other names: c.185del, p.Leu62fs (NM_001178129.2); short protein forms L62fs, L122fs.
Identifiers: ClinVar variation 4717472 (VCV004717472.1).